The following is an entry in ClinVar:

ClinVar aggregate classification (germline): Uncertain significance (1 of 4 stars; one submission).

Conditions:
Inborn genetic diseases. Identifiers: MedGen C0950123, MeSH D030342.

gnomAD v4.1: 1 of 1,547,964 alleles (0.000065%); highest among the groups gnomAD compares: Non-Finnish European, 0.000087%; no homozygotes.

Submission:

Ambry Genetics
Classification: Uncertain significance for Inborn genetic diseases. Last evaluated: 2025-01-17. Review status: criteria provided, single submitter. Criteria: Ambry Variant Classification Scheme 2023. Collection method: clinical testing. Allele origin: germline.
Comment: The p.S172L variant (also known as c.515C>T), located in coding exon 2 of the KDM1A gene, results from a C to T substitution at nucleotide position 515. The serine at codon 172 is replaced by leucine, an amino acid with dissimilar properties. This amino acid position is conserved. In addition, the in silico prediction for this alteration is inconclusive. Based on the available evidence, the clinical significance of this variant remains unclear.

NM_001009999.3(KDM1A):c.515C>T (p.Ser172Leu)

Gene: KDM1A (lysine demethylase 1A; plus strand). Cytogenetic location: 1p36.12.
Variant type: single nucleotide variant.
Coding change: c.515C>T on transcript NM_001009999.3 (MANE Select); coding-DNA position 515, C replaced by T.
Protein change: p.Ser172Leu; replaces serine 172 with leucine.
Molecular consequence: missense variant.
Genome position (GRCh38, 1-based): chr1:23,030,632, C>T. VCF-style: chr1-23030632-C-T. GRCh37 (hg19) VCF-style: chr1-23357125-C-T.
Other names: c.515C>T, p.Ser172Leu (NM_001363654.2, NM_001410762.1, NM_001410763.1 and 1 more transcripts); short protein forms S172L.
Identifiers: ClinVar variation 3863273 (VCV003863273.1).